The following is an entry in ClinVar:

NM_000553.6(WRN):c.2065T>C (p.Ser689Pro)

Gene: WRN (WRN RecQ like helicase; plus strand). Cytogenetic location: 8p12.
Variant type: single nucleotide variant.
Coding change: c.2065T>C on transcript NM_000553.6 (MANE Select); coding-DNA position 2065, T replaced by C.
Protein change: p.Ser689Pro; replaces serine 689 with proline.
Molecular consequence: missense variant.
Genome position (GRCh38, 1-based): chr8:31,100,932, T>C. VCF-style: chr8-31100932-T-C. GRCh37 (hg19) VCF-style: chr8-30958448-T-C.
Other names: short protein forms S689P.
Identifiers: ClinVar variation 946108 (VCV000946108.3), dbSNP rs1814201472, ClinGen allele CA370908880.

ClinVar aggregate classification (germline): Uncertain significance (1 of 4 stars; one submission).

Conditions:
Werner syndrome (WRN). Identifiers: Orphanet 902, MedGen C0043119, MONDO:0010196, OMIM 277700.

Allele frequency attached by ClinVar (database versions not stated): TOPMed below 0.00001.

Submission:

Labcorp Genetics (formerly Invitae), Labcorp
Classification: Uncertain significance for Werner syndrome. Last evaluated: 2025-03-05. Review status: criteria provided, single submitter. Criteria: Invitae Variant Classification Sherloc (09022015). Collection method: clinical testing. Allele origin: germline.
Comment: This sequence change replaces serine, which is neutral and polar, with proline, which is neutral and non-polar, at codon 689 of the WRN protein (p.Ser689Pro). This variant is not present in population databases (gnomAD no frequency). This variant has not been reported in the literature in individuals affected with WRN-related conditions. ClinVar contains an entry for this variant (Variation ID: 946108). An algorithm developed to predict the effect of missense changes on protein structure and function (PolyPhen-2) suggests that this variant is likely to be disruptive. In summary, the available evidence is currently insufficient to determine the role of this variant in disease. Therefore, it has been classified as a Variant of Uncertain Significance.